The following is an entry in ClinVar:

ClinVar aggregate classification (germline): Uncertain significance (1 of 4 stars; one submission).

Submission:

Labcorp Genetics (formerly Invitae), Labcorp
Classification: Uncertain significance. Last evaluated: 2025-03-28. Review status: criteria provided, single submitter. Criteria: Invitae Variant Classification Sherloc (09022015). Collection method: clinical testing. Allele origin: germline.
Comment: This sequence change falls in intron 5 of the PIEZO2 gene. It does not directly change the encoded amino acid sequence of the PIEZO2 protein. It affects a nucleotide within the consensus splice site. This variant is present in population databases (rs759008370, gnomAD 0.06%). This variant has not been reported in the literature in individuals affected with PIEZO2-related conditions. Variants that disrupt the consensus splice site are a relatively common cause of aberrant splicing (PMID: 17576681, 9536098). Algorithms developed to predict the effect of sequence changes on RNA splicing suggest that this variant is not likely to affect RNA splicing. In summary, the available evidence is currently insufficient to determine the role of this variant in disease. Therefore, it has been classified as a Variant of Uncertain Significance.

Literature cited by the submitters: PubMed 17576681; PubMed 9536098.

NM_001378183.1(PIEZO2):c.492+5del

Gene: PIEZO2 (piezo type mechanosensitive ion channel component 2; minus strand). Cytogenetic location: 18p11.22.
Variant type: Deletion.
Coding change: c.492+5del on transcript NM_001378183.1 (MANE Select); 5 bases into the intron after coding-DNA position 492, one base deleted (A; older notation c.492+5delA).
Molecular consequence: intron variant.
Genome position (GRCh38, 1-based): chr18:10,871,248, T deleted on the plus strand (A on the coding strand, the reverse complement: PIEZO2 is on the minus strand); the first of 3 consecutive T bases (chr18:10,871,248-10,871,250); deleting any one gives the same sequence. VCF-style (leftmost placement, unchanged base first): chr18-10871247-AT-A. GRCh37 (hg19) VCF-style: chr18-10871245-AT-A.
Other names: c.492+5del (NM_022068.4, NM_001410871.1).
Identifiers: ClinVar variation 4798984 (VCV004798984.1).
Genomic context (GRCh38, chr18:10,871,247, plus strand): 5'-CTGCAACTTATTAAGGGTCAAGGTCCTCAGAAATCAAAGAAGGAAGAGACATGGAGTTGG[AT>A]TTACCAATTCTTCATTTTCAAACTCCGGGTTACTCTGTGCTGCTTCGTCTGTCACAGGTT-3'